The following is an entry in ClinVar:

NM_199420.4(POLQ):c.3023G>A (p.Gly1008Glu)

Gene: POLQ (DNA polymerase theta; minus strand). Cytogenetic location: 3q13.33.
Variant type: single nucleotide variant.
Coding change: c.3023G>A on transcript NM_199420.4 (MANE Select); coding-DNA position 3023, G replaced by A.
Protein change: p.Gly1008Glu; replaces glycine 1008 with glutamic acid.
Molecular consequence: missense variant.
Genome position (GRCh38, 1-based): chr3:121,489,908, C>T on the plus strand (G>A on the coding strand, the complement: POLQ is on the minus strand). VCF-style: chr3-121489908-C-T. GRCh37 (hg19) VCF-style: chr3-121208755-C-T.
Other names: short protein forms G1008E.
Identifiers: ClinVar variation 3422552 (VCV003422552.1).

ClinVar aggregate classification (germline): Uncertain significance (1 of 4 stars; one submission).

Submission:

Ambry Genetics
Classification: Uncertain significance. Last evaluated: 2024-09-16. Review status: criteria provided, single submitter. Criteria: Ambry Variant Classification Scheme 2023. Collection method: clinical testing. Allele origin: germline.
Comment: The p.G1008E variant (also known as c.3023G>A), located in coding exon 16 of the POLQ gene, results from a G to A substitution at nucleotide position 3023. The glycine at codon 1008 is replaced by glutamic acid, an amino acid with similar properties. This amino acid position is conserved. In addition, this alteration is predicted to be tolerated by in silico analysis. Based on the available evidence, the clinical significance of this variant remains unclear.